The following is an entry in ClinVar:

NM_001256789.3(CACNA1F):c.265G>A (p.Val89Met)

Gene: CACNA1F (calcium voltage-gated channel subunit alpha1 F; minus strand). Cytogenetic location: Xp11.23.
Variant type: single nucleotide variant.
Coding change: c.265G>A on transcript NM_001256789.3 (MANE Select); coding-DNA position 265, G replaced by A.
Protein change: p.Val89Met; replaces valine 89 with methionine.
Molecular consequence: missense variant.
Genome position (GRCh38, 1-based): chrX:49,231,688, C>T on the plus strand (G>A on the coding strand, the complement: CACNA1F is on the minus strand). VCF-style: chrX-49231688-C-T. GRCh37 (hg19) VCF-style: chrX-49088150-C-T.
Other names: c.70G>A, p.Val24Met (NM_001256790.3); c.265G>A, p.Val89Met (NM_005183.4); short protein forms V24M, V89M.
Identifiers: ClinVar variation 4770757 (VCV004770757.1).

ClinVar aggregate classification (germline): Uncertain significance (1 of 4 stars; one submission).

Submission:

Labcorp Genetics (formerly Invitae), Labcorp
Classification: Uncertain significance. Last evaluated: 2025-06-11. Review status: criteria provided, single submitter. Criteria: Invitae Variant Classification Sherloc (09022015). Collection method: clinical testing. Allele origin: germline.
Comment: This sequence change replaces valine, which is neutral and non-polar, with methionine, which is neutral and non-polar, at codon 89 of the CACNA1F protein (p.Val89Met). This variant is not present in population databases (gnomAD no frequency). This variant has not been reported in the literature in individuals affected with CACNA1F-related conditions. Invitae Evidence Modeling of protein sequence and biophysical properties (such as structural, functional, and spatial information, amino acid conservation, physicochemical variation, residue mobility, and thermodynamic stability) indicates that this missense variant is not expected to disrupt CACNA1F protein function with a negative predictive value of 80%. In summary, the available evidence is currently insufficient to determine the role of this variant in disease. Therefore, it has been classified as a Variant of Uncertain Significance.